The following is an entry in ClinVar:

NM_000399.5(EGR2):c.568T>A (p.Ser190Thr)

Gene: EGR2 (early growth response 2; minus strand). Cytogenetic location: 10q21.3.
Variant type: single nucleotide variant.
Coding change: c.568T>A on transcript NM_000399.5 (MANE Select); coding-DNA position 568, T replaced by A.
Protein change: p.Ser190Thr; replaces serine 190 with threonine.
Molecular consequence: missense variant.
Genome position (GRCh38, 1-based): chr10:62,814,070, A>T on the plus strand (T>A on the coding strand, the complement: EGR2 is on the minus strand). VCF-style: chr10-62814070-A-T. GRCh37 (hg19) VCF-style: chr10-64573830-A-T.
Other names: c.568T>A, p.Ser190Thr (NM_001136177.3, NM_001136178.2); c.418T>A, p.Ser140Thr (NM_001136179.3, NM_001321037.2); c.607T>A, p.Ser203Thr (NM_001410931.1); short protein forms S140T, S190T, S203T.
Identifiers: ClinVar variation 4528234 (VCV004528234.2).

ClinVar aggregate classification (germline): Uncertain significance. Review status: criteria provided, multiple submitters, no conflicts (2 of 4 stars). 2 submissions from 2 submitters: Uncertain significance (2). Last evaluated 2025-11-13.

Conditions:
Inborn genetic diseases. Identifiers: MedGen C0950123, MeSH D030342.

Submissions (2):

Ambry Genetics
Classification: Uncertain significance for Inborn genetic diseases. Last evaluated: 2025-11-13. Review status: criteria provided, single submitter. Criteria: Ambry Variant Classification Scheme 2023. Collection method: clinical testing. Allele origin: germline.

GeneDx
Classification: Uncertain significance. Last evaluated: 2025-05-09. Review status: criteria provided, single submitter. Criteria: GeneDx Variant Classification Process June 2021. Collection method: clinical testing. Allele origin: germline. Affected: yes.
Comment: Not observed at significant frequency in large population cohorts (gnomAD); In silico analysis suggests that this missense variant does not alter protein structure/function; Has not been previously published as pathogenic or benign to our knowledge